The following is an entry in ClinVar:

NM_000545.8(HNF1A):c.1720_1721delinsGA (p.Ser574Asp)

Gene: HNF1A (HNF1 homeobox A; plus strand). Cytogenetic location: 12q24.31.
Variant type: Indel.
Coding change: c.1720_1721delinsGA on transcript NM_000545.8 (MANE Select); coding-DNA positions 1720 to 1721, AG replaced by GA.
Protein change: p.Ser574Asp; replaces serine 574 with aspartic acid.
Molecular consequence: missense variant.
Genome position (GRCh38, 1-based): chr12:120,999,579-120,999,580, AG replaced by GA. VCF-style: chr12-120999579-AG-GA. GRCh37 (hg19) VCF-style: chr12-121437382-AG-GA.
Other names: c.1741_1742delinsGA, p.Ser581Asp (NM_001306179.2); c.1528_1529delinsGA, p.Ser510Asp (NM_001406915.1); short protein forms G574D, S510D, S574D, S581D.
Identifiers: ClinVar variation 3336072 (VCV003336072.3).

ClinVar aggregate classification (germline): Conflicting classifications of pathogenicity. Review status: criteria provided, conflicting classifications (1 of 4 stars). 3 submissions from 3 submitters: Uncertain significance (2); Likely benign (1). Last evaluated 2025-03-26.

Conditions:
Nonpapillary renal cell carcinoma. Identifiers: Orphanet 422526, MedGen CN074294, MONDO:0007763, OMIM 144700.
Type 1 diabetes mellitus 20 (T1D20). Also called: Diabetes mellitus, insulin-dependent, 20. Identifiers: MedGen C2675866, MONDO:0012919, OMIM 612520.
Hepatic adenomas, familial. Also called: LIVER CELL ADENOMAS, FAMILIAL; HEPATIC ADENOMA, SOMATIC. Identifiers: MedGen C1840646, MONDO:0007718, OMIM 142330.
Diabetes mellitus type 1 (T1D). Also called: Diabetes Mellitus, Juvenile-Onset; Type I diabetes mellitus. Identifiers: MedGen C0011854, MONDO:0005147, OMIM 222100, HP:0100651.
Type 2 diabetes mellitus. Also called: Type II diabetes mellitus. Identifiers: MedGen C0011860, MeSH D003924, MONDO:0005148, OMIM 125853, HP:0005978.
Maturity-onset diabetes of the young type 3. Also called: MODY type 3; MODY, type III. Identifiers: Orphanet 552, MedGen C1838100, MeSH C563933, MONDO:0010894, OMIM 600496. Disease mechanism: loss of function.

Submissions (3):

Labcorp Genetics (formerly Invitae), Labcorp
Classification: Uncertain significance. Last evaluated: 2025-03-26. Review status: criteria provided, single submitter. Criteria: Invitae Variant Classification Sherloc (09022015). Collection method: clinical testing. Allele origin: germline.
Comment: This sequence change replaces glycine, which is neutral and non-polar, with aspartic acid, which is acidic and polar, at codon 574 of the HNF1A protein (p.Gly574Asp). This variant is present in population databases (no rsID available, gnomAD 0.004%). This variant has not been reported in the literature in individuals affected with HNF1A-related conditions. ClinVar contains an entry for this variant (Variation ID: 805633). Experimental studies and prediction algorithms are not available or were not evaluated, and the functional significance of this variant is currently unknown. In summary, the available evidence is currently insufficient to determine the role of this variant in disease. Therefore, it has been classified as a Variant of Uncertain Significance.

Fulgent Genetics
Classification: Uncertain significance for Type 2 diabetes mellitus; Hepatic adenomas, familial; Nonpapillary renal cell carcinoma; Diabetes mellitus type 1; Maturity-onset diabetes of the young type 3; Type 1 diabetes mellitus 20. Last evaluated: 2024-05-11. Review status: criteria provided, single submitter. Criteria: ACMG Guidelines, 2015. Collection method: clinical testing. Allele origin: germline.

Women's Health and Genetics/Laboratory Corporation of America, LabCorp
Classification: Likely benign. Last evaluated: 2024-05-09. Review status: criteria provided, single submitter. Criteria: LabCorp Variant Classification Summary - May 2015. Collection method: clinical testing. Allele origin: germline.
Comment: Variant summary: HNF1A c.1720_1721delinsGA (p.Ser574Asp) results in a non-conservative amino acid change located in the Hepatocyte nuclear factor 1, alpha isoform C-terminal domain (IPR006898) of the encoded protein sequence. Three of four in-silico tools predict a benign effect of the variant on protein function. The variant allele was found at a frequency of 4e-05 in 274028 control chromosomes. The observed variant frequency is approximately 2 fold of the estimated maximal expected allele frequency for a pathogenic variant in HNF1A causing Maturity Onset Diabetes Of The Young 3 phenotype (2.5e-05), strongly suggesting that the variant is benign. To our knowledge, no occurrence of c.1720_1721delinsGA in individuals affected with Maturity Onset Diabetes Of The Young 3 and no experimental evidence demonstrating its impact on protein function have been reported. No submitters have cited clinical-significance assessments for this variant to ClinVar. Based on the evdence outlined above, the variant was classified as likely benign.